The following is an entry in ClinVar:

ClinVar aggregate classification (germline): Uncertain significance. Review status: criteria provided, multiple submitters, no conflicts (2 of 4 stars). 2 submissions from 2 submitters: Uncertain significance (2). Last evaluated 2023-09-26.

Conditions:
Inborn genetic diseases. Identifiers: MedGen C0950123, MeSH D030342.
MOGS-congenital disorder of glycosylation. Also called: CDG 2B; MOGS-CDG; CDG IIb; GLUCOSIDASE I DEFICIENCY. Identifiers: Orphanet 79330, MedGen C1853736, MONDO:0011629, OMIM 606056.

Allele frequency attached by ClinVar (database versions not stated): ExAC 0.00001; gnomAD 0.00001; gnomAD exomes 0.00001 and 0.00002; TOPMed 0.00001; 1000 Genomes Project 0.00020; 1000 Genomes Project 30x 0.00031.
gnomAD v4.1: 14 of 1,613,906 alleles (0.00087%); highest among the groups gnomAD compares: Admixed American, 0.0033%; no homozygotes.

Submissions (2):

Ambry Genetics
Classification: Uncertain significance for Inborn genetic diseases. Last evaluated: 2023-09-26. Review status: criteria provided, single submitter. Criteria: Ambry Variant Classification Scheme 2023. Collection method: clinical testing. Allele origin: germline.

Labcorp Genetics (formerly Invitae), Labcorp
Classification: Uncertain significance for MOGS-congenital disorder of glycosylation. Last evaluated: 2022-09-12. Review status: criteria provided, single submitter. Criteria: Invitae Variant Classification Sherloc (09022015). Collection method: clinical testing. Allele origin: germline.
Comment: This sequence change replaces arginine, which is basic and polar, with glutamine, which is neutral and polar, at codon 461 of the MOGS protein (p.Arg461Gln). In summary, the available evidence is currently insufficient to determine the role of this variant in disease. Therefore, it has been classified as a Variant of Uncertain Significance. Algorithms developed to predict the effect of sequence changes on RNA splicing suggest that this variant may create or strengthen a splice site. Advanced modeling of protein sequence and biophysical properties (such as structural, functional, and spatial information, amino acid conservation, physicochemical variation, residue mobility, and thermodynamic stability) performed at Invitae indicates that this missense variant is not expected to disrupt MOGS protein function. ClinVar contains an entry for this variant (Variation ID: 1411367). This variant has not been reported in the literature in individuals affected with MOGS-related conditions. This variant is present in population databases (rs200061009, gnomAD 0.02%).

NM_006302.3(MOGS):c.1382G>A (p.Arg461Gln)

Gene: MOGS (mannosyl-oligosaccharide glucosidase; minus strand). Cytogenetic location: 2p13.1.
Variant type: single nucleotide variant.
Coding change: c.1382G>A on transcript NM_006302.3 (MANE Select); coding-DNA position 1382, G replaced by A.
Protein change: p.Arg461Gln; replaces arginine 461 with glutamine.
Molecular consequence: missense variant.
Genome position (GRCh38, 1-based): chr2:74,462,407, C>T on the plus strand (G>A on the coding strand, the complement: MOGS is on the minus strand). VCF-style: chr2-74462407-C-T. GRCh37 (hg19) VCF-style: chr2-74689534-C-T.
Other names: c.1382G>A (NM_006302.2); c.1064G>A, p.Arg355Gln (NM_001146158.2); short protein forms R461Q, R355Q.
Identifiers: ClinVar variation 1411367 (VCV001411367.7), dbSNP rs200061009, ClinGen allele CA1724794.
Genomic context (GRCh38, chr2:74,462,407, plus strand): 5'-TCAGCATTTAGCAGCCCCAGCCAGTGGCCAAGGGCTTCCCGGGTGAGGGAGGGATCCCAC[C>T]GCTGAACCACCAGCTGGTGAAAGCCTTCATCCCAAAGGAAGCCTCGTGGGAAGAATGACC-3'
Protein context (NP_006293.2, residues 451-471): DEGFHQLVVQ[Arg461Gln]WDPSLTREAL